The following is an entry in ClinVar:

ClinVar aggregate classification (germline): Conflicting classifications of pathogenicity. Review status: criteria provided, conflicting classifications (1 of 4 stars). 4 submissions from 4 submitters: Uncertain significance (3); Likely benign (1). Last evaluated 2025-12-21.

Conditions:
Basal cell nevus syndrome 1 (BCNS1). Also called: GORLIN-GOLTZ SYNDROME; MULTIPLE BASAL CELL NEVI, ODONTOGENIC KERATOCYSTS, AND SKELETAL ANOMALIES. Identifiers: MedGen CN376810, MONDO:0958174, OMIM 109400.
Gorlin syndrome. Also called: Nevoid Basal Cell Carcinoma Syndrome; Basal cell nevus syndrome. Identifiers: Orphanet 377, MedGen C0004779, MONDO:0007187.
Hereditary cancer-predisposing syndrome. Also called: Tumor predisposition; Hereditary neoplastic syndrome; Neoplastic Syndromes, Hereditary; Hereditary Cancer Syndrome. Identifiers: Orphanet 140162, MedGen C0027672, MeSH D009386, MONDO:0015356.

Allele frequency attached by ClinVar (database versions not stated): TOPMed 0.00001.
gnomAD v4.1: 3 of 1,613,906 alleles (0.00019%); highest among the groups gnomAD compares: Non-Finnish European, 0.00025%; no homozygotes.

Submissions (4):

Labcorp Genetics (formerly Invitae), Labcorp
Classification: Likely benign for Gorlin syndrome. Last evaluated: 2025-12-21. Review status: criteria provided, single submitter. Criteria: Invitae Variant Classification Sherloc (09022015). Collection method: clinical testing. Allele origin: germline.

St. Jude Molecular Pathology, St. Jude Children's Research Hospital
Classification: Uncertain significance for Basal cell nevus syndrome 1. Last evaluated: 2025-06-17. Review status: criteria provided, single submitter. Criteria: St. Jude Assertion Criteria 2020. Collection method: clinical testing. Allele origin: germline.
Comment: The PTCH1 c.3204C>A p.(Phe1068Leu) missense change has a maximum subpopulation frequency of 0.0009% in gnomAD v2.1.1. The in silico tool REVEL is inconclusive about a pathogenic or benign effect of this variant on protein function, and to our knowledge functional studies have not been performed. To our knowledge, this variant has not been reported in individuals with nevoid basal cell carcinoma syndrome. In summary, the evidence currently available is insufficient to determine the clinical significance of this variant. It has therefore been classified as of uncertain significance.

Ambry Genetics
Classification: Uncertain significance for Hereditary cancer-predisposing syndrome. Last evaluated: 2025-05-23. Review status: criteria provided, single submitter. Criteria: Ambry Variant Classification Scheme 2023. Collection method: clinical testing. Allele origin: germline.
Comment: The p.F1068L variant (also known as c.3204C>A), located in coding exon 19 of the PTCH1 gene, results from a C to A substitution at nucleotide position 3204. The phenylalanine at codon 1068 is replaced by leucine, an amino acid with highly similar properties. This amino acid position is conserved. In addition, this alteration is predicted to be deleterious by in silico analysis. Since supporting evidence is limited at this time, the clinical significance of this alteration remains unclear.

GeneDx
Classification: Uncertain significance. Last evaluated: 2019-12-17. Review status: criteria provided, single submitter. Criteria: GeneDx Variant Classification Process June 2021. Collection method: clinical testing. Allele origin: germline. Affected: yes.
Comment: Not observed at a significant frequency in large population cohorts (Lek 2016); In silico analysis, which includes protein predictors and evolutionary conservation, supports a deleterious effect; Has not been previously published as pathogenic or benign to our knowledge

NM_000264.5(PTCH1):c.3204C>A (p.Phe1068Leu)

Gene: PTCH1 (patched 1; minus strand). Cytogenetic location: 9q22.32.
Variant type: single nucleotide variant.
Coding change: c.3204C>A on transcript NM_000264.5 (MANE Select); coding-DNA position 3204, C replaced by A.
Protein change: p.Phe1068Leu; replaces phenylalanine 1068 with leucine.
Molecular consequence: missense variant. On other transcripts: non-coding transcript variant (1).
Genome position (GRCh38, 1-based): chr9:95,456,378, G>T on the plus strand (C>A on the coding strand, the complement: PTCH1 is on the minus strand). VCF-style: chr9-95456378-G-T. GRCh37 (hg19) VCF-style: chr9-98218660-G-T.
Other names: c.3006C>A, p.Phe1002Leu (NM_001083602.3); c.3201C>A, p.Phe1067Leu (NM_001083603.3); c.2751C>A, p.Phe917Leu (NM_001083604.3, NM_001083605.3, NM_001083606.3 and 1 more transcripts); c.3048C>A, p.Phe1016Leu (NM_001354918.2); short protein forms F917L, F1016L, F1067L, F1002L, F1068L.
Identifiers: ClinVar variation 710664 (VCV000710664.16), dbSNP rs762419846, ClinGen allele CA5138214.
Genomic context (GRCh38, chr9:95,456,378, plus strand): 5'-AGCGATCAGGATGACCACGGGCACGGCACTGAGCTTGATTCCGATGAGGCCCATCATGCC[G>T]AACAGCTCGACCGTCATCAGCGCCAGGACCATCACCTGGAGCAGGGCACACAGTGGTCAG-3'
Protein context (NP_000255.2, residues 1058-1078): MVLALMTVEL[Phe1068Leu]GMMGLIGIKL